The following is an entry in ClinVar:

NM_000274.4(OAT):c.181G>T (p.Ala61Ser)

Gene: OAT (ornithine aminotransferase; minus strand). Cytogenetic location: 10q26.13.
Variant type: single nucleotide variant.
Coding change: c.181G>T on transcript NM_000274.4 (MANE Select); coding-DNA position 181, G replaced by T.
Protein change: p.Ala61Ser; replaces alanine 61 with serine.
Molecular consequence: missense variant. On other transcripts: intron variant (2).
Genome position (GRCh38, 1-based): chr10:124,411,991, C>A on the plus strand (G>T on the coding strand, the complement: OAT is on the minus strand). VCF-style: chr10-124411991-C-A. GRCh37 (hg19) VCF-style: chr10-126100560-C-A.
Other names: c.181G>T, p.Ala61Ser (NM_001322965.2, NM_001322966.2, NM_001322967.2 and 4 more transcripts); c.-215-3026G>T (NM_001171814.2); c.-515-3026G>T (NM_001322974.2); short protein forms A61S.
Identifiers: ClinVar variation 1361254 (VCV001361254.6), dbSNP rs369213619, ClinGen allele CA5733600.

ClinVar aggregate classification (germline): Uncertain significance. Review status: criteria provided, multiple submitters, no conflicts (2 of 4 stars). 2 submissions from 2 submitters: Uncertain significance (2). Last evaluated 2022-10-17.

Conditions:
Ornithine aminotransferase deficiency (GACR). Also called: Ornithine ketoacid aminotransferase deficiency; Gyrate atrophy; Gyrate atrophy of choroid and retina; Girate atrophy of the retina; OKT DEFICIENCY; HYPERORNITHINEMIA WITH GYRATE ATROPHY OF CHOROID AND RETINA. Identifiers: Orphanet 414, MedGen C0018425, MONDO:0009796, OMIM 258870.

Allele frequency attached by ClinVar (database versions not stated): ExAC 0.00001; gnomAD 0.00001; TOPMed 0.00001; gnomAD exomes 0.00002 and 0.00005; ESP Exome Variant Server 0.00008.
gnomAD v4.1: 67 of 1,613,794 alleles (0.0042%); highest among the groups gnomAD compares: Non-Finnish European, 0.0054%; no homozygotes.

Submissions (2):

Blueprint Genetics
Classification: Uncertain significance. Last evaluated: 2022-10-17. Review status: criteria provided, single submitter. Criteria: ACMG Guidelines, 2015. Collection method: clinical testing. Allele origin: germline.

Labcorp Genetics (formerly Invitae), Labcorp
Classification: Uncertain significance for Ornithine aminotransferase deficiency. Last evaluated: 2022-03-29. Review status: criteria provided, single submitter. Criteria: Invitae Variant Classification Sherloc (09022015). Collection method: clinical testing. Allele origin: germline.
Comment: This sequence change replaces alanine, which is neutral and non-polar, with serine, which is neutral and polar, at codon 61 of the OAT protein (p.Ala61Ser). This variant is present in population databases (rs369213619, gnomAD 0.003%). This variant has not been reported in the literature in individuals affected with OAT-related conditions. Algorithms developed to predict the effect of missense changes on protein structure and function are either unavailable or do not agree on the potential impact of this missense change (SIFT: "Deleterious"; PolyPhen-2: "Possibly Damaging"; Align-GVGD: "Class C15"). In summary, the available evidence is currently insufficient to determine the role of this variant in disease. Therefore, it has been classified as a Variant of Uncertain Significance.